The following is an entry in ClinVar:

NM_022124.6(CDH23):c.8833ATC[1] (p.Ile2946del)

Gene: CDH23 (cadherin related 23; plus strand). Cytogenetic location: 10q22.1.
Variant type: Microsatellite.
Coding change: c.8833ATC[1] on transcript NM_022124.6 (MANE Select); one copy of the 3-base unit ATC starting at c.8833; the reference has two copies in a row; one copy, 3 bases deleted.
Protein change: p.Ile2946del; deletes isoleucine 2946.
Molecular consequence: inframe deletion.
Genome position (GRCh38, 1-based): chr10:71,809,933-71,809,935, ATC deleted; deleting any 3 consecutive bases within chr10:71,809,929-71,809,935 gives the same sequence; the position shown is the placement nearest the transcript's 3' end. VCF-style (leftmost placement, unchanged base first): chr10-71809928-CCAT-C. GRCh37 (hg19) VCF-style: chr10-73569685-CCAT-C.
Other names: c.2113ATC[1], p.Ile706del (NM_001171933.1, NM_001171934.1); short protein forms I706del, I2946del.
Identifiers: ClinVar variation 2898124 (VCV002898124.3), dbSNP rs1272924156, ClinGen allele CA668122422.

ClinVar aggregate classification (germline): Uncertain significance (1 of 4 stars; one submission).

Submission:

Labcorp Genetics (formerly Invitae), Labcorp
Classification: Uncertain significance. Last evaluated: 2024-08-30. Review status: criteria provided, single submitter. Criteria: Invitae Variant Classification Sherloc (09022015). Collection method: clinical testing. Allele origin: germline.
Comment: This variant, c.8836_8838del, results in the deletion of 1 amino acid(s) of the CDH23 protein (p.Ile2946del), but otherwise preserves the integrity of the reading frame. This variant is not present in population databases (gnomAD no frequency). This variant has not been reported in the literature in individuals affected with CDH23-related conditions. Experimental studies and prediction algorithms are not available or were not evaluated, and the functional significance of this variant is currently unknown. In summary, the available evidence is currently insufficient to determine the role of this variant in disease. Therefore, it has been classified as a Variant of Uncertain Significance.